The following is an entry in ClinVar:

ClinVar aggregate classification (germline): Uncertain significance (1 of 4 stars; one submission).

gnomAD v4.1: 1 of 1,608,554 alleles (0.000062%); highest among the groups gnomAD compares: African/African-American, 0.0013%; no homozygotes.

Submission:

GeneDx
Classification: Uncertain significance. Last evaluated: 2025-05-21. Review status: criteria provided, single submitter. Criteria: GeneDx Variant Classification Process June 2021. Collection method: clinical testing. Allele origin: germline. Affected: yes.
Comment: Not observed at significant frequency in large population cohorts (gnomAD); In silico analysis suggests that this missense variant does not alter protein structure/function; Has not been previously published as pathogenic or benign to our knowledge

NM_006421.5(ARFGEF1):c.982A>G (p.Ile328Val)

Gene: ARFGEF1 (ARF guanine nucleotide exchange factor 1; minus strand). Cytogenetic location: 8q13.2.
Variant type: single nucleotide variant.
Coding change: c.982A>G on transcript NM_006421.5 (MANE Select); coding-DNA position 982, A replaced by G.
Protein change: p.Ile328Val; replaces isoleucine 328 with valine.
Molecular consequence: missense variant. On other transcripts: non-coding transcript variant (1), 5 prime UTR variant (1).
Genome position (GRCh38, 1-based): chr8:67,288,000, T>C on the plus strand (A>G on the coding strand, the complement: ARFGEF1 is on the minus strand). VCF-style: chr8-67288000-T-C. GRCh37 (hg19) VCF-style: chr8-68200235-T-C.
Other names: c.982A>G, p.Ile328Val (NM_001413184.1, NM_001413185.1, NM_001413186.1 and 7 more transcripts); c.382A>G, p.Ile128Val (NM_001413197.1, NM_001413188.1, NM_001413193.1); c.-134A>G (NM_001413196.1); short protein forms I128V, I328V.
Identifiers: ClinVar variation 4531118 (VCV004531118.1).